The following is an entry in ClinVar:

ClinVar aggregate classification (germline): Uncertain significance. Review status: criteria provided, multiple submitters, no conflicts (2 of 4 stars). 2 submissions from 2 submitters: Uncertain significance (2). Last evaluated 2025-01-08.

Conditions:
Dyskeratosis congenita, autosomal recessive 6 (DKCB6). Identifiers: MedGen C4225356, MONDO:0014600, OMIM 616353.
Pulmonary fibrosis and/or bone marrow failure, Telomere-related, 4. Also called: PULMONARY FIBROSIS AND/OR BONE MARROW FAILURE SYNDROME, TELOMERE-RELATED, 4. Identifiers: Orphanet 2032, MedGen C4225347, MONDO:0014612, OMIM 616371.

gnomAD v4.1: 1 of 1,605,768 alleles (0.000062%); no homozygotes.

Submissions (2):

Labcorp Genetics (formerly Invitae), Labcorp
Classification: Uncertain significance for Dyskeratosis congenita, autosomal recessive 6; Pulmonary fibrosis and/or bone marrow failure, Telomere-related, 4. Last evaluated: 2025-01-08. Review status: criteria provided, single submitter. Criteria: Invitae Variant Classification Sherloc (09022015). Collection method: clinical testing. Allele origin: germline.
Comment: This sequence change replaces threonine, which is neutral and polar, with asparagine, which is neutral and polar, at codon 497 of the PARN protein (p.Thr497Asn). This variant is not present in population databases (gnomAD no frequency). This variant has not been reported in the literature in individuals affected with PARN-related conditions. Invitae Evidence Modeling of protein sequence and biophysical properties (such as structural, functional, and spatial information, amino acid conservation, physicochemical variation, residue mobility, and thermodynamic stability) indicates that this missense variant is not expected to disrupt PARN protein function with a negative predictive value of 80%. In summary, the available evidence is currently insufficient to determine the role of this variant in disease. Therefore, it has been classified as a Variant of Uncertain Significance.

GeneDx
Classification: Uncertain significance. Last evaluated: 2024-09-03. Review status: criteria provided, single submitter. Criteria: GeneDx Variant Classification Process June 2021. Collection method: clinical testing. Allele origin: germline. Affected: yes.
Comment: Not observed at significant frequency in large population cohorts (gnomAD); In silico analysis indicates that this missense variant does not alter protein structure/function; Has not been previously published as pathogenic or benign to our knowledge

NM_002582.4(PARN):c.1490C>A (p.Thr497Asn)

Gene: PARN (poly(A)-specific ribonuclease; minus strand). Cytogenetic location: 16p13.12.
Variant type: single nucleotide variant.
Coding change: c.1490C>A on transcript NM_002582.4 (MANE Select); coding-DNA position 1490, C replaced by A.
Protein change: p.Thr497Asn; replaces threonine 497 with asparagine.
Molecular consequence: missense variant.
Genome position (GRCh38, 1-based): chr16:14,482,818, G>T on the plus strand (C>A on the coding strand, the complement: PARN is on the minus strand). VCF-style: chr16-14482818-G-T. GRCh37 (hg19) VCF-style: chr16-14576675-G-T.
Other names: c.1490C>A (NM_002582.3); c.1307C>A, p.Thr436Asn (NM_001134477.3); c.1352C>A, p.Thr451Asn (NM_001242992.2); short protein forms T436N, T451N, T497N.
Identifiers: ClinVar variation 3754249 (VCV003754249.3).